The following is an entry in ClinVar:

NM_212482.4(FN1):c.1997A>T (p.Tyr666Phe)

Gene: FN1 (fibronectin 1; minus strand). Cytogenetic location: 2q35.
Variant type: single nucleotide variant.
Coding change: c.1997A>T on transcript NM_212482.4 (MANE Select); coding-DNA position 1997, A replaced by T.
Protein change: p.Tyr666Phe; replaces tyrosine 666 with phenylalanine.
Molecular consequence: missense variant.
Genome position (GRCh38, 1-based): chr2:215,410,059, T>A on the plus strand (A>T on the coding strand, the complement: FN1 is on the minus strand). VCF-style: chr2-215410059-T-A. GRCh37 (hg19) VCF-style: chr2-216274782-T-A.
Other names: c.1997A>T, p.Tyr666Phe (NM_001306129.2, NM_001306130.2, NM_001306131.2 and 13 more transcripts); short protein forms Y666F.
Identifiers: ClinVar variation 2696279 (VCV002696279.3), dbSNP rs1484756074, ClinGen allele CA350464123.

ClinVar aggregate classification (germline): Uncertain significance (1 of 4 stars; one submission).

Submission:

Labcorp Genetics (formerly Invitae), Labcorp
Classification: Uncertain significance. Last evaluated: 2023-11-21. Review status: criteria provided, single submitter. Criteria: Invitae Variant Classification Sherloc (09022015). Collection method: clinical testing. Allele origin: germline.
Comment: This sequence change replaces tyrosine, which is neutral and polar, with phenylalanine, which is neutral and non-polar, at codon 666 of the FN1 protein (p.Tyr666Phe). This variant is not present in population databases (gnomAD no frequency). This variant has not been reported in the literature in individuals affected with FN1-related conditions. Advanced modeling of protein sequence and biophysical properties (such as structural, functional, and spatial information, amino acid conservation, physicochemical variation, residue mobility, and thermodynamic stability) performed at Invitae indicates that this missense variant is expected to disrupt FN1 protein function with a positive predictive value of 80%. In summary, the available evidence is currently insufficient to determine the role of this variant in disease. Therefore, it has been classified as a Variant of Uncertain Significance.